The following is an entry in ClinVar:

NM_005559.4(LAMA1):c.6008-2A>G

Gene: LAMA1 (laminin subunit alpha 1; minus strand). Cytogenetic location: 18p11.31.
Variant type: single nucleotide variant.
Coding change: c.6008-2A>G on transcript NM_005559.4 (MANE Select); the canonical splice acceptor site of the intron before coding-DNA position 6008, A replaced by G.
Molecular consequence: splice acceptor variant.
Genome position (GRCh38, 1-based): chr18:6,978,380, T>C on the plus strand (A>G on the coding strand, the complement: LAMA1 is on the minus strand). VCF-style: chr18-6978380-T-C. GRCh37 (hg19) VCF-style: chr18-6978379-T-C.
Identifiers: ClinVar variation 1473304 (VCV001473304.7), dbSNP rs376011036, ClinGen allele CA8881380.

ClinVar aggregate classification (germline): Likely pathogenic (1 of 4 stars; one submission).

Allele frequency attached by ClinVar (database versions not stated): ExAC 0.00001; gnomAD exomes 0.00001 and 0.00004; gnomAD 0.00003; TOPMed 0.00003; ESP Exome Variant Server 0.00008.
gnomAD v4.1: 59 of 1,613,372 alleles (0.0037%); highest among the groups gnomAD compares: Non-Finnish European, 0.0047%; no homozygotes.

Submissions (2):

Labcorp Genetics (formerly Invitae), Labcorp
Classification: Likely pathogenic. Last evaluated: 2024-11-05. Review status: criteria provided, single submitter. Criteria: Invitae Variant Classification Sherloc (09022015). Collection method: clinical testing. Allele origin: germline.
Comment: This sequence change affects an acceptor splice site in intron 42 of the LAMA1 gene. It is expected to disrupt RNA splicing. Variants that disrupt the donor or acceptor splice site typically lead to a loss of protein function (PMID: 16199547), and loss-of-function variants in LAMA1 are known to be pathogenic (PMID: 25105227, 26932191). This variant is present in population databases (rs376011036, gnomAD 0.002%). This variant has not been reported in the literature in individuals affected with LAMA1-related conditions. ClinVar contains an entry for this variant (Variation ID: 1473304). Algorithms developed to predict the effect of sequence changes on RNA splicing suggest that this variant may disrupt the consensus splice site. In summary, the currently available evidence indicates that the variant is pathogenic, but additional data are needed to prove that conclusively. Therefore, this variant has been classified as Likely Pathogenic.

Dr. Peter K. Rogan Lab, Western University
No classification provided (evidence only). Condition: Familial cancer of breast. Review status: no classification provided. Collection method: in vitro. Allele origin: not applicable. Functional consequence: retained intron. Not counted in ClinVar's aggregate classification.

Literature cited by the submitters: PubMed 16199547 (cited by Labcorp Genetics (formerly Invitae), Labcorp); PubMed 25105227 (cited by Labcorp Genetics (formerly Invitae), Labcorp); PubMed 26932191 (cited by Labcorp Genetics (formerly Invitae), Labcorp).